The following is an entry in ClinVar:

NM_001379110.1(SLC9A6):c.897C>G (p.Phe299Leu)

Gene: SLC9A6 (solute carrier family 9 member A6; plus strand). Cytogenetic location: Xq26.3.
Variant type: single nucleotide variant.
Coding change: c.897C>G on transcript NM_001379110.1 (MANE Select); coding-DNA position 897, C replaced by G.
Protein change: p.Phe299Leu; replaces phenylalanine 299 with leucine.
Molecular consequence: missense variant.
Genome position (GRCh38, 1-based): chrX:136,012,960, C>G. VCF-style: chrX-136012960-C-G. GRCh37 (hg19) VCF-style: chrX-135095119-C-G.
Other names: c.1053C>G, p.Phe351Leu (NM_001042537.2); c.897C>G, p.Phe299Leu (NM_001177651.2, NM_001400909.1, NM_001400910.1 and 2 more transcripts); c.801C>G, p.Phe267Leu (NM_001330652.2, NM_001400913.1); c.957C>G, p.Phe319Leu (NM_006359.3); short protein forms F267L, F299L, F319L, F351L.
Identifiers: ClinVar variation 2700231 (VCV002700231.3), dbSNP rs2521308904, ClinGen allele CA414751522.

ClinVar aggregate classification (germline): Uncertain significance (1 of 4 stars; one submission).

Conditions:
Christianson syndrome (MRXSCH). Also called: X-linked mental retardation, syndromic, Christianson type; SLC9A6-Related Syndromic Mental Retardation; INTELLECTUAL DEVELOPMENTAL DISORDER, X-LINKED, SYNDROMIC, CHRISTIANSON TYPE. Identifiers: Orphanet 85278, MedGen C2678194, MONDO:0010278, OMIM 300243.

Submission:

Labcorp Genetics (formerly Invitae), Labcorp
Classification: Uncertain significance for Christianson syndrome. Last evaluated: 2023-12-08. Review status: criteria provided, single submitter. Criteria: Invitae Variant Classification Sherloc (09022015). Collection method: clinical testing. Allele origin: germline.
Comment: This sequence change replaces phenylalanine, which is neutral and non-polar, with leucine, which is neutral and non-polar, at codon 319 of the SLC9A6 protein (p.Phe319Leu). This variant is not present in population databases (gnomAD no frequency). This variant has not been reported in the literature in individuals affected with SLC9A6-related conditions. Advanced modeling of protein sequence and biophysical properties (such as structural, functional, and spatial information, amino acid conservation, physicochemical variation, residue mobility, and thermodynamic stability) performed at Invitae indicates that this missense variant is not expected to disrupt SLC9A6 protein function with a negative predictive value of 80%. In summary, the available evidence is currently insufficient to determine the role of this variant in disease. Therefore, it has been classified as a Variant of Uncertain Significance.